The following is an entry in ClinVar:

ClinVar aggregate classification (germline): Uncertain significance. Review status: criteria provided, multiple submitters, no conflicts (2 of 4 stars). 2 submissions from 2 submitters: Uncertain significance (2). Last evaluated 2022-10-17.

Submissions (2):

Blueprint Genetics
Classification: Uncertain significance. Last evaluated: 2022-10-17. Review status: criteria provided, single submitter. Criteria: ACMG Guidelines, 2015. Collection method: clinical testing. Allele origin: germline.

Labcorp Genetics (formerly Invitae), Labcorp
Classification: Uncertain significance. Last evaluated: 2022-06-23. Review status: criteria provided, single submitter. Criteria: Invitae Variant Classification Sherloc (09022015). Collection method: clinical testing. Allele origin: germline.
Comment: This sequence change replaces valine, which is neutral and non-polar, with isoleucine, which is neutral and non-polar, at codon 25 of the CABP4 protein (p.Val25Ile). In summary, the available evidence is currently insufficient to determine the role of this variant in disease. Therefore, it has been classified as a Variant of Uncertain Significance. Advanced modeling of protein sequence and biophysical properties (such as structural, functional, and spatial information, amino acid conservation, physicochemical variation, residue mobility, and thermodynamic stability) performed at Invitae indicates that this missense variant is not expected to disrupt CABP4 protein function. This variant has not been reported in the literature in individuals affected with CABP4-related conditions. This variant is not present in population databases (gnomAD no frequency).

NM_145200.5(CABP4):c.73G>A (p.Val25Ile)

Gene: CABP4 (calcium binding protein 4; plus strand). Cytogenetic location: 11q13.2.
Variant type: single nucleotide variant.
Coding change: c.73G>A on transcript NM_145200.5 (MANE Select); coding-DNA position 73, G replaced by A.
Protein change: p.Val25Ile; replaces valine 25 with isoleucine.
Molecular consequence: missense variant. On other transcripts: 5 prime UTR variant (2), non-coding transcript variant (1), intron variant (1).
Genome position (GRCh38, 1-based): chr11:67,455,496, G>A. VCF-style: chr11-67455496-G-A. GRCh37 (hg19) VCF-style: chr11-67222967-G-A.
Other names: c.-311G>A (NM_001300895.3); c.-325G>A (NM_001379183.1); c.-112-213G>A (NM_001300896.3); short protein forms V25I.
Identifiers: ClinVar variation 2009714 (VCV002009714.5), dbSNP rs1455035481, ClinGen allele CA381526696.